The following is an entry in ClinVar:

ClinVar aggregate classification (germline): Uncertain significance (1 of 4 stars; one submission).

Submission:

GeneDx
Classification: Uncertain significance. Last evaluated: 2024-07-15. Review status: criteria provided, single submitter. Criteria: GeneDx Variant Classification Process June 2021. Collection method: clinical testing. Allele origin: germline. Affected: yes.
Comment: Not observed at significant frequency in large population cohorts (gnomAD); In silico analysis supports that this missense variant has a deleterious effect on protein structure/function; Has not been previously published as pathogenic or benign to our knowledge

NM_006218.4(PIK3CA):c.2267A>T (p.Asn756Ile)

Gene: PIK3CA (phosphatidylinositol-4,5-bisphosphate 3-kinase catalytic subunit alpha; plus strand). Cytogenetic location: 3q26.32.
Variant type: single nucleotide variant.
Coding change: c.2267A>T on transcript NM_006218.4 (MANE Select); coding-DNA position 2267, A replaced by T.
Protein change: p.Asn756Ile; replaces asparagine 756 with isoleucine.
Molecular consequence: missense variant.
Genome position (GRCh38, 1-based): chr3:179,224,160, A>T. VCF-style: chr3-179224160-A-T. GRCh37 (hg19) VCF-style: chr3-178941948-A-T.
Other names: short protein forms N756I.
Identifiers: ClinVar variation 3573810 (VCV003573810.1).